The following is an entry in ClinVar:

NC_000005.9:g.(?_1253833)_(1258784_?)dup

Gene: TERT (telomerase reverse transcriptase; minus strand). Cytogenetic location: 5p15.33.
Variant type: Duplication.
Identifiers: ClinVar variation 666220 (VCV000666220.2).

ClinVar aggregate classification (germline): Uncertain significance (1 of 4 stars; one submission).

Conditions:
Interstitial lung disease 2 (ILD2). Also called: Familial idiopathic pulmonary fibrosis; FIBROCYSTIC PULMONARY DYSPLASIA; FIBROSING ALVEOLITIS, CRYPTOGENIC. Identifiers: Orphanet 2032, Orphanet 79126, MedGen C5561926, MONDO:0800497, OMIM 178500, MONDO:0800029.
Dyskeratosis congenita, autosomal dominant 2. Identifiers: MedGen C3151443, MONDO:0013521, OMIM 613989.

Submission:

Labcorp Genetics (formerly Invitae), Labcorp
Classification: Uncertain significance for Dyskeratosis congenita, autosomal dominant, 2; Idiopathic fibrosing alveolitis, chronic form. Last evaluated: 2019-02-25. Review status: criteria provided, single submitter. Criteria: Invitae Variant Classification Sherloc (09022015). Collection method: clinical testing. Allele origin: germline.
Comment: This variant results in a copy number gain of the genomic region encompassing exons 13-16 of the TERT gene. The 5' boundary is likely confined to intron 12. The 3' end of this event is unknown as it extends beyond the assayed region for this gene and therefore may encompass additional genes. As the precise location of this event is unknown, it may be in tandem or it may be located elsewhere in the genome. A copy number gain of exons 13-16 has not been reported in the literature in individuals with TERT-related disease. Experimental studies and prediction algorithms are not available for this variant, and the functional significance of the duplicated amino acids is currently unknown. In summary, the available evidence is currently insufficient to determine the role of this variant in disease. Therefore, it has been classified as a Variant of Uncertain Significance.